The following is an entry in ClinVar:

NM_004055.5(CAPN5):c.554C>T (p.Ala185Val)

Gene: CAPN5 (calpain 5; plus strand). Cytogenetic location: 11q13.5.
Variant type: single nucleotide variant.
Coding change: c.554C>T on transcript NM_004055.5 (MANE Select); coding-DNA position 554, C replaced by T.
Protein change: p.Ala185Val; replaces alanine 185 with valine.
Molecular consequence: missense variant.
Genome position (GRCh38, 1-based): chr11:77,114,289, C>T. VCF-style: chr11-77114289-C-T. GRCh37 (hg19) VCF-style: chr11-76825335-C-T.
Other names: short protein forms A185V.
Identifiers: ClinVar variation 998885 (VCV000998885.10), dbSNP rs1555041289, ClinGen allele CA381937798.
Genomic context (GRCh38, chr11:77,114,289, plus strand): 5'-CATTGCTTCCCAGACTGGCAGGCTGTTACCAGGCCCTGGATGGAGGCAACACAGCAGACG[C>T]ACTGGTGGACTTCACGGGTGGTGTTTCTGAGCCCATCGACCTGACCGAGGGTGACTTTGC-3'
Protein context (NP_004046.2, residues 175-195): QALDGGNTAD[Ala185Val]LVDFTGGVSE

ClinVar aggregate classification (germline): Uncertain significance. Review status: criteria provided, multiple submitters, no conflicts (2 of 4 stars). 2 submissions from 2 submitters: Uncertain significance (2). Last evaluated 2024-11-05.

Allele frequency attached by ClinVar (database versions not stated): gnomAD exomes below 0.00001.

Submissions (2):

Labcorp Genetics (formerly Invitae), Labcorp
Classification: Uncertain significance. Last evaluated: 2024-11-05. Review status: criteria provided, single submitter. Criteria: Invitae Variant Classification Sherloc (09022015). Collection method: clinical testing. Allele origin: germline.
Comment: This sequence change replaces alanine, which is neutral and non-polar, with valine, which is neutral and non-polar, at codon 185 of the CAPN5 protein (p.Ala185Val). This variant is present in population databases (no rsID available, gnomAD 0.003%). This variant has not been reported in the literature in individuals affected with CAPN5-related conditions. ClinVar contains an entry for this variant (Variation ID: 998885). Invitae Evidence Modeling of protein sequence and biophysical properties (such as structural, functional, and spatial information, amino acid conservation, physicochemical variation, residue mobility, and thermodynamic stability) indicates that this missense variant is expected to disrupt CAPN5 protein function with a positive predictive value of 80%. In summary, the available evidence is currently insufficient to determine the role of this variant in disease. Therefore, it has been classified as a Variant of Uncertain Significance.

Blueprint Genetics
Classification: Uncertain significance. Last evaluated: 2023-04-04. Review status: criteria provided, single submitter. Criteria: ACMG Guidelines, 2015. Collection method: clinical testing. Allele origin: germline.